The following is an entry in ClinVar:

NM_001377.3(DYNC2H1):c.10268del (p.Leu3423fs)

Gene: DYNC2H1 (dynein cytoplasmic 2 heavy chain 1; plus strand). Cytogenetic location: 11q22.3.
Variant type: Deletion.
Coding change: c.10268del on transcript NM_001377.3 (MANE Select); coding-DNA position 10268, one base deleted (T; older notation c.10268delT).
Protein change: p.Leu3423fs; shifts the reading frame from leucine 3423.
Molecular consequence: frameshift variant.
Genome position (GRCh38, 1-based): chr11:103,255,476, T deleted; the last of 2 consecutive T bases (chr11:103,255,475-103,255,476); deleting either gives the same sequence. VCF-style (leftmost placement, unchanged base first): chr11-103255474-AT-A. GRCh37 (hg19) VCF-style: chr11-103126203-AT-A.
Other names: c.10289del, p.Leu3430fs (NM_001080463.2); short protein forms L3430fs, L3423fs.
Identifiers: ClinVar variation 2801380 (VCV002801380.3), dbSNP rs2496639536, ClinGen allele CA2615751092.

ClinVar aggregate classification (germline): Pathogenic (1 of 4 stars; one submission).

Conditions:
Jeune thoracic dystrophy. Also called: Short-rib thoracic dysplasia; Jeune syndrome; Infantile thoracic dystrophy; Thoracic pelvic phalangeal dystrophy; Jeune's syndrome; Chondroectodermal dysplasia-like syndrome. Identifiers: Orphanet 474, MedGen C0265275, MONDO:0018770.

Submission:

Labcorp Genetics (formerly Invitae), Labcorp
Classification: Pathogenic for Jeune thoracic dystrophy. Last evaluated: 2023-10-23. Review status: criteria provided, single submitter. Criteria: Invitae Variant Classification Sherloc (09022015). Collection method: clinical testing. Allele origin: germline.
Comment: This sequence change creates a premature translational stop signal (p.Leu3430Tyrfs*11) in the DYNC2H1 gene. It is expected to result in an absent or disrupted protein product. Loss-of-function variants in DYNC2H1 are known to be pathogenic (PMID: 23339108, 32753734, 33755199). This variant is not present in population databases (gnomAD no frequency). This variant has not been reported in the literature in individuals affected with DYNC2H1-related conditions. For these reasons, this variant has been classified as Pathogenic.

Literature cited by the submitters: PubMed 23339108; PubMed 32753734; PubMed 33755199.